The following is an entry in ClinVar:

NM_018051.5(DYNC2I1):c.2246C>T (p.Thr749Met)

Gene: DYNC2I1 (dynein 2 intermediate chain 1; plus strand). Cytogenetic location: 7q36.3.
Variant type: single nucleotide variant.
Coding change: c.2246C>T on transcript NM_018051.5 (MANE Select); coding-DNA position 2246, C replaced by T.
Protein change: p.Thr749Met; replaces threonine 749 with methionine.
Molecular consequence: missense variant.
Genome position (GRCh38, 1-based): chr7:158,923,722, C>T. VCF-style: chr7-158923722-C-T. GRCh37 (hg19) VCF-style: chr7-158716413-C-T.
Other names: c.2108C>T, p.Thr703Met (NM_001350914.2); c.1673C>T, p.Thr558Met (NM_001350915.2); c.785C>T, p.Thr262Met (NM_001350916.2); c.998C>T, p.Thr333Met (NM_001350917.2, NM_001350918.2); short protein forms T749M, T262M, T558M, T703M, T333M.
Identifiers: ClinVar variation 88645 (VCV000088645.7), dbSNP rs587777065, ClinGen allele CA210596.

ClinVar aggregate classification (germline): Pathogenic/Likely pathogenic. Review status: criteria provided, multiple submitters, no conflicts (2 of 4 stars). 3 submissions from 3 submitters: Pathogenic (1); Likely pathogenic (1). 1 of the submissions does not count toward it. Last evaluated 2023-10-11.

Conditions:
Short-rib thoracic dysplasia 8 with or without polydactyly (SRTD8). Also called: SHORT-RIB THORACIC DYSPLASIA 8 WITH POLYDACTYLY. Identifiers: Orphanet 93271, MedGen C3809691, MONDO:0014214, OMIM 615503.

Allele frequency attached by ClinVar (database versions not stated): gnomAD 0.00002; gnomAD exomes 0.00002; TOPMed 0.00002.
gnomAD v4.1: 26 of 1,610,156 alleles (0.0016%); highest among the groups gnomAD compares: African/African-American, 0.004%; no homozygotes.

Submissions (3):

Labcorp Genetics (formerly Invitae), Labcorp
Classification: Pathogenic for Short-rib thoracic dysplasia 8 with or without polydactyly. Last evaluated: 2023-10-11. Review status: criteria provided, single submitter. Criteria: Invitae Variant Classification Sherloc (09022015). Collection method: clinical testing. Allele origin: germline.
Comment: This sequence change replaces threonine, which is neutral and polar, with methionine, which is neutral and non-polar, at codon 749 of the WDR60 protein (p.Thr749Met). This variant is present in population databases (no rsID available, gnomAD 0.02%). This missense change has been observed in individual(s) with short-rib thoracic dysplasia (PMID: 23910462). In at least one individual the data is consistent with being in trans (on the opposite chromosome) from a pathogenic variant. It has also been observed to segregate with disease in related individuals. ClinVar contains an entry for this variant (Variation ID: 88645). An algorithm developed to predict the effect of missense changes on protein structure and function (PolyPhen-2) suggests that this variant is likely to be tolerated. Experimental studies have shown that this missense change affects WDR60 function (PMID: 30320547). For these reasons, this variant has been classified as Pathogenic.

Juno Genomics, Hangzhou Juno Genomics, Inc
Classification: Likely pathogenic for Short-rib thoracic dysplasia 8 with or without polydactyly. Review status: criteria provided, single submitter. Criteria: ACMG Guidelines, 2015. Collection method: clinical testing. Allele origin: germline.
Comment: Absent from controls (or at extremely low frequency if recessive) in Genome Aggregation Database.;For recessive disorders, detected in trans with a pathogenic variant.;Co-segregation with disease in multiple affected family members.;Well-established in vitro or in vivo functional studies supportive of a damaging effect on the gene or gene product.

OMIM
Classification: Pathogenic for SHORT-RIB THORACIC DYSPLASIA 8 WITH OR WITHOUT POLYDACTYLY. Last evaluated: 2013-09-05. Review status: no assertion criteria provided. Collection method: literature only. Allele origin: germline. Not counted in ClinVar's aggregate classification.

Literature cited by the submitters: PubMed 23910462 (cited by Labcorp Genetics (formerly Invitae), Labcorp and OMIM); PubMed 30320547 (cited by Labcorp Genetics (formerly Invitae), Labcorp).